The following is an entry in ClinVar:

NM_000152.5(GAA):c.286A>G (p.Lys96Glu)

Gene: GAA (alpha glucosidase; plus strand). Cytogenetic location: 17q25.3.
Variant type: single nucleotide variant.
Coding change: c.286A>G on transcript NM_000152.5 (MANE Select); coding-DNA position 286, A replaced by G.
Protein change: p.Lys96Glu; replaces lysine 96 with glutamic acid.
Molecular consequence: missense variant.
Genome position (GRCh38, 1-based): chr17:80,104,872, A>G. VCF-style: chr17-80104872-A-G. GRCh37 (hg19) VCF-style: chr17-78078671-A-G.
Other names: c.286A>G, p.Lys96Glu (NM_001079803.3, NM_001079804.3); c.286A>G (LRG_673t1); short protein forms K96E.
Identifiers: ClinVar variation 568474 (VCV000568474.14), dbSNP rs778816809, ClinGen allele CA8814840.

ClinVar aggregate classification (germline): Uncertain significance. Review status: criteria provided, multiple submitters, no conflicts (2 of 4 stars). 5 submissions from 5 submitters: Uncertain significance (4). 1 of the submissions does not count toward it. Last evaluated 2026-07-01.

Conditions:
Glycogen storage disease, type II (IOPD). Also called: POMPE DISEASE, INFANTILE-ONSET; GLYCOGEN STORAGE DISEASE II, INFANTILE-ONSET; ACID ALPHA-GLUCOSIDASE DEFICIENCY, INFANTILE-ONSET; GAA DEFICIENCY, INFANTILE-ONSET; ACID MALTASE DEFICIENCY, INFANTILE-ONSET; CARDIOMEGALIA GLYCOGENICA DIFFUSA. Identifiers: Orphanet 365, MedGen C0017921, MONDO:0009290, OMIM 232300.

Allele frequency attached by ClinVar (database versions not stated): ExAC 0.00001; gnomAD 0.00001; gnomAD exomes 0.00001; TOPMed 0.00001.
gnomAD v4.1: 19 of 1,612,964 alleles (0.0012%); highest among the groups gnomAD compares: Middle Eastern, 0.05%; no homozygotes.

Submissions (5):

Genomenon, Inc
Classification: Uncertain significance for Glycogen storage disease, type II. Last evaluated: 2026-07-01. Review status: criteria provided, single submitter. Criteria: Genomenon Sequence Variant Interpretation Standards - Updated. Collection method: curation. Allele origin: germline. Affected: no.
Comment: GAA p.Lys96Glu (c.286A>G) is a missense variant that changes the amino acid at codon 96 from Lysine to Glutamic acid. This variant has been reported in the published literature (PMID:29149851). It is absent or not present at a significant frequency in gnomAD. In silico models predict that this variant is not damaging. In conclusion, we classify GAA p.Lys96Glu (c.286A>G) as a variant of uncertain significance.

Labcorp Genetics (formerly Invitae), Labcorp
Classification: Uncertain significance for Glycogen storage disease, type II. Last evaluated: 2022-08-05. Review status: criteria provided, single submitter. Criteria: Invitae Variant Classification Sherloc (09022015). Collection method: clinical testing. Allele origin: germline.
Comment: This sequence change replaces lysine, which is basic and polar, with glutamic acid, which is acidic and polar, at codon 96 of the GAA protein (p.Lys96Glu). This variant is present in population databases (rs778816809, gnomAD 0.002%). This missense change has been observed in individual(s) with unexplained limb-girdle muscle weakness or elevated serum creatine kinase activity (PMID: 29149851). ClinVar contains an entry for this variant (Variation ID: 568474). Advanced modeling of protein sequence and biophysical properties (such as structural, functional, and spatial information, amino acid conservation, physicochemical variation, residue mobility, and thermodynamic stability) performed at Invitae indicates that this missense variant is not expected to disrupt GAA protein function. In summary, the available evidence is currently insufficient to determine the role of this variant in disease. Therefore, it has been classified as a Variant of Uncertain Significance.

Genome-Nilou Lab
Classification: Uncertain significance for Glycogen storage disease, type II. Last evaluated: 2021-09-05. Review status: criteria provided, single submitter. Criteria: ACMG Guidelines, 2015. Collection method: clinical testing. Allele origin: germline. Affected: no.

GeneDx
Classification: Uncertain significance. Last evaluated: 2019-04-29. Review status: criteria provided, single submitter. Criteria: GeneDx Variant Classification Process June 2021. Collection method: clinical testing. Allele origin: germline. Affected: yes.
Comment: Not observed at a significant frequency in large population cohorts (Lek et al., 2016); In silico analysis, which includes protein predictors and evolutionary conservation, supports that this variant does not alter protein structure/function; This variant is associated with the following publications: (PMID: 29149851)

Natera, Inc.
Classification: Uncertain significance for Glycogen storage disease type II. Last evaluated: 2020-02-18. Review status: no assertion criteria provided. Collection method: clinical testing. Allele origin: germline. Not counted in ClinVar's aggregate classification.

Literature cited by the submitters: PubMed 29149851 (cited by Genomenon, Inc and Labcorp Genetics (formerly Invitae), Labcorp).